The following is an entry in ClinVar:

NM_001458.5(FLNC):c.3949_3950del (p.Thr1317fs)

Gene: FLNC (filamin C; plus strand). Cytogenetic location: 7q32.1.
Variant type: Microsatellite.
Coding change: c.3949_3950del on transcript NM_001458.5 (MANE Select); coding-DNA positions 3949 to 3950, 2 bases deleted (AC; older notation c.3949_3950delAC).
Protein change: p.Thr1317fs; shifts the reading frame from threonine 1317.
Molecular consequence: frameshift variant.
Genome position (GRCh38, 1-based): chr7:128,846,148-128,846,149, AC deleted; deleting any 2 consecutive bases within chr7:128,846,146-128,846,149 gives the same sequence; the c. name uses the placement nearest the transcript's 3' end. VCF-style (leftmost placement, unchanged base first): chr7-128846145-TAC-T. GRCh37 (hg19) VCF-style: chr7-128486199-TAC-T.
Other names: c.3949_3950del, p.Thr1317fs (NM_001127487.2); short protein forms T1317fs.
Identifiers: ClinVar variation 2025130 (VCV002025130.4), dbSNP rs2536641185, ClinGen allele CA2580614266.

ClinVar aggregate classification (germline): Pathogenic (1 of 4 stars; one submission).

Conditions:
Myofibrillar myopathy 5. Also called: Filaminopathy (type); FILAMINOPATHY, AUTOSOMAL DOMINANT. Identifiers: Orphanet 171445, MedGen C1836050, MONDO:0012289, OMIM 609524.
Hypertrophic cardiomyopathy 26. Also called: Cardiomyopathy, familial hypertrophic, 26. Identifiers: Orphanet 75249, MedGen C4310749, MONDO:0014883, OMIM 617047.
Distal myopathy with posterior leg and anterior hand involvement. Also called: WILLIAMS DISTAL MYOPATHY. Identifiers: Orphanet 63273, MedGen C3279722, MONDO:0013550, OMIM 614065.

Submission:

Labcorp Genetics (formerly Invitae), Labcorp
Classification: Pathogenic for Distal myopathy with posterior leg and anterior hand involvement; Myofibrillar myopathy 5; Hypertrophic cardiomyopathy 26. Last evaluated: 2022-08-20. Review status: criteria provided, single submitter. Criteria: Invitae Variant Classification Sherloc (09022015). Collection method: clinical testing. Allele origin: germline.
Comment: This variant has not been reported in the literature in individuals affected with FLNC-related conditions. For these reasons, this variant has been classified as Pathogenic. This variant is not present in population databases (gnomAD no frequency). This sequence change creates a premature translational stop signal (p.Thr1317Argfs*14) in the FLNC gene. It is expected to result in an absent or disrupted protein product. Loss-of-function variants in FLNC are known to be pathogenic (PMID: 27908349).

Literature cited by the submitters: PubMed 27908349.